The following is an entry in ClinVar:

NM_000552.5(VWF):c.4007G>A (p.Arg1336Gln)

Gene: VWF (von Willebrand factor; minus strand). Cytogenetic location: 12p13.31.
Variant type: single nucleotide variant.
Coding change: c.4007G>A on transcript NM_000552.5 (MANE Select); coding-DNA position 4007, G replaced by A.
Protein change: p.Arg1336Gln; replaces arginine 1336 with glutamine.
Molecular consequence: missense variant.
Genome position (GRCh38, 1-based): chr12:6,019,411, C>T on the plus strand (G>A on the coding strand, the complement: VWF is on the minus strand). VCF-style: chr12-6019411-C-T. GRCh37 (hg19) VCF-style: chr12-6128577-C-T.
Other names: short protein forms R1336Q.
Identifiers: ClinVar variation 310065 (VCV000310065.14), dbSNP rs886049741, ClinGen allele CA10638269.

ClinVar aggregate classification (germline): Uncertain significance. Review status: criteria provided, single submitter (1 of 4 stars). 2 submissions from 2 submitters: Uncertain significance (1). 1 of the submissions does not count toward it. Last evaluated 2019-01-25.

Conditions:
von Willebrand disease type 3 (VWD3). Also called: Type 3 Von Willebrand's disease; Type 3 VWD; Von Willebrand disease, severe form; V WD3; VON WILLEBRAND DISEASE, TYPE III. Identifiers: Orphanet 166096, MedGen C1264041, MONDO:0010191, OMIM 277480.

Allele frequency attached by ClinVar (database versions not stated): gnomAD exomes 0.00001; TOPMed 0.00001; gnomAD 0.00003.
gnomAD v4.1: 22 of 1,613,820 alleles (0.0014%); highest among the groups gnomAD compares: East Asian, 0.0022%; no homozygotes.

Submissions (2):

ARUP Laboratories, Molecular Genetics and Genomics, ARUP Laboratories
Classification: Uncertain significance. Last evaluated: 2019-01-25. Review status: criteria provided, single submitter. Criteria: ARUP Molecular Germline Variant Investigation Process. Collection method: clinical testing. Allele origin: germline.
Comment: The VWF c.4007G>A; p.Arg1336Gln variant (rs886049741), to our knowledge, is not reported in the medical literature but is reported in ClinVar (Variation ID: 310065). This variant is found on only four chromosomes in the Genome Aggregation Database, indicating it is not a common polymorphism. The arginine at codon 1336 is moderately conserved and computational analyses (SIFT, PolyPhen-2) predict that this variant is tolerated. However, due to limited information, the clinical significance of the p.Arg1336Gln variant is uncertain at this time.

Angelo Bianchi Bonomi Hemophilia and Thrombosis Center, Fondazione IRCCS Ca Granda Ospedale Maggiore Policlinico
Classification: Uncertain significance for von Willebrand disease type 3. Last evaluated: 2020-11-01. Review status: no assertion criteria provided. Collection method: clinical testing. Allele origin: germline. Affected: yes. Study: Type 3 Von Willebrand International Registries Inhibitor Prospective Study (3WINTERS-IPS). Not counted in ClinVar's aggregate classification.
Comment: ClinGen Pathogenicity Calculator